The following is an entry in ClinVar:

NM_198428.3(BBS9):c.408C>A (p.Cys136Ter)

Gene: BBS9 (Bardet-Biedl syndrome 9; plus strand). Cytogenetic location: 7p14.3.
Variant type: single nucleotide variant.
Coding change: c.408C>A on transcript NM_198428.3 (MANE Select); coding-DNA position 408, C replaced by A.
Protein change: p.Cys136Ter; replaces cysteine 136 with a stop codon.
Molecular consequence: nonsense. On other transcripts: non-coding transcript variant (3).
Genome position (GRCh38, 1-based): chr7:33,177,557, C>A. VCF-style: chr7-33177557-C-A. GRCh37 (hg19) VCF-style: chr7-33217169-C-A.
Other names: c.273C>A, p.Cys91Ter (NM_001348042.3); c.408C>A, p.Cys136Ter (NM_001348043.3, NM_001362679.1, NM_001412127.2 and 7 more transcripts); c.42C>A, p.Cys14Ter (NM_001348044.3, NM_001348045.3, NM_001348046.3 and 1 more transcripts); c.135C>A, p.Cys45Ter (NM_001348038.3, NM_001348039.3); short protein forms C14*, C136*, C45*, C91*.
Identifiers: ClinVar variation 2763969 (VCV002763969.3), dbSNP rs2535613423, ClinGen allele CA367251947.

ClinVar aggregate classification (germline): Pathogenic (1 of 4 stars; one submission).

Conditions:
Bardet-Biedl syndrome (BBS). Identifiers: Orphanet 110, MedGen C0752166, MONDO:0015229.

Submission:

Labcorp Genetics (formerly Invitae), Labcorp
Classification: Pathogenic for Bardet-Biedl syndrome. Last evaluated: 2023-06-03. Review status: criteria provided, single submitter. Criteria: Invitae Variant Classification Sherloc (09022015). Collection method: clinical testing. Allele origin: germline.
Comment: This variant has not been reported in the literature in individuals affected with BBS9-related conditions. This sequence change creates a premature translational stop signal (p.Cys136*) in the BBS9 gene. It is expected to result in an absent or disrupted protein product. Loss-of-function variants in BBS9 are known to be pathogenic (PMID: 16380913, 20177705). This variant is not present in population databases (gnomAD no frequency). For these reasons, this variant has been classified as Pathogenic.

Literature cited by the submitters: PubMed 16380913; PubMed 20177705.